The following is an entry in ClinVar:

ClinVar aggregate classification (germline): Conflicting classifications of pathogenicity. Review status: criteria provided, conflicting classifications (1 of 4 stars). 4 submissions from 4 submitters: Likely pathogenic (2); Uncertain significance (2). Last evaluated 2026-05-29.

Conditions:
Epilepsy, early-onset, vitamin B6-dependent. Also called: PLPBP Deficiency; EPILEPSY, EARLY-ONSET, 1, VITAMIN B6-DEPENDENT. Identifiers: MedGen C4310632, MONDO:0015005, OMIM 617290.

Allele frequency attached by ClinVar (database versions not stated): ExAC 0.00001; gnomAD 0.00001; TOPMed 0.00001.
gnomAD v4.1: 27 of 1,613,782 alleles (0.0017%); highest among the groups gnomAD compares: South Asian, 0.0022%; no homozygotes.

Submissions (4):

Victorian Clinical Genetics Services, Murdoch Childrens Research Institute
Classification: Likely pathogenic for Epilepsy, early-onset, vitamin B6-dependent. Last evaluated: 2026-05-29. Review status: criteria provided, single submitter. Criteria: ACMG Guidelines, 2015. Collection method: clinical testing. Allele origin: germline. Affected: yes.
Comment: This variant is classified as Likely pathogenic. Evidence in support of pathogenic classification: Variant is present in gnomAD <0.01 for a recessive condition (v4: 27 heterozygote(s), 0 homozygote(s)); This variant has limited previous evidence of pathogenicity in unrelated individuals. This variant has been classified as likely pathogenic by a clinical laboratory in ClinVar, as well as a VUS in one older submission; Missense variant predicted to be damaging by in silico tool(s) or highly conserved with a major amino acid change; Strong phenotype match for this individual; Heterozygous variant suspected to be in trans with a second LIKELY PATHOGENIC heterozygous variant (NM_007198.4(PLPBP):c.281T>C; p.(Ile94Thr)) in a recessive disease. Additional information: Variant is predicted to result in a missense amino acid change from serine to proline; This variant is heterozygous; This gene is associated with autosomal recessive disease; Alternative amino acid change(s) at the same position are present in gnomAD (Highest allele count: v4: 1 heterozygote(s), 0 homozygote(s)); No published functional evidence has been identified for this variant; No comparable missense variants have previous evidence for pathogenicity; Variant is located in the annotated alanine racemase, N-terminal domain (DECIPHER); Loss of function is a known mechanism of disease in this gene and is associated with epilepsy, early-onset, vitamin B6-dependent (MIM#617290).

CeGaT Center for Human Genetics Tuebingen
Classification: Likely pathogenic. Last evaluated: 2024-04-01. Review status: criteria provided, single submitter. Criteria: CeGaT Center For Human Genetics Tuebingen Variant Classification Criteria Version 2. Collection method: clinical testing. Allele origin: germline. Affected: yes. Observed: 1 variant allele.
Comment: PLPBP: PM1, PM2, PP4:Moderate, PM3:Supporting

Blueprint Genetics
Classification: Uncertain significance. Last evaluated: 2023-09-29. Review status: criteria provided, single submitter. Criteria: ACMG Guidelines, 2015. Collection method: clinical testing. Allele origin: germline.

Labcorp Genetics (formerly Invitae), Labcorp
Classification: Uncertain significance. Last evaluated: 2021-12-03. Review status: criteria provided, single submitter. Criteria: Invitae Variant Classification Sherloc (09022015). Collection method: clinical testing. Allele origin: germline.
Comment: This sequence change replaces serine, which is neutral and polar, with proline, which is neutral and non-polar, at codon 226 of the PROSC protein (p.Ser226Pro). This variant is present in population databases (rs201046156, gnomAD 0.003%). This variant has not been reported in the literature in individuals affected with PROSC-related conditions. Algorithms developed to predict the effect of missense changes on protein structure and function (SIFT, PolyPhen-2, Align-GVGD) all suggest that this variant is likely to be disruptive. In summary, the available evidence is currently insufficient to determine the role of this variant in disease. Therefore, it has been classified as a Variant of Uncertain Significance.

NM_007198.4(PLPBP):c.676T>C (p.Ser226Pro)

Gene: PLPBP (pyridoxal phosphate binding protein; plus strand). Cytogenetic location: 8p11.23.
Variant type: single nucleotide variant.
Coding change: c.676T>C on transcript NM_007198.4 (MANE Select); coding-DNA position 676, T replaced by C.
Protein change: p.Ser226Pro; replaces serine 226 with proline.
Molecular consequence: missense variant.
Genome position (GRCh38, 1-based): chr8:37,775,996, T>C. VCF-style: chr8-37775996-T-C. GRCh37 (hg19) VCF-style: chr8-37633514-T-C.
Other names: c.706T>C, p.Ser236Pro (NM_001349346.2); c.670T>C, p.Ser224Pro (NM_001349347.2); c.520T>C, p.Ser174Pro (NM_001349348.2); short protein forms S174P, S224P, S226P, S236P.
Identifiers: ClinVar variation 1965429 (VCV001965429.25), dbSNP rs201046156, ClinGen allele CA4711309.